The following is an entry in ClinVar:

NC_000015.10:g.84817141C>T

Gene: ALPK3 (alpha kinase 3; plus strand). Cytogenetic location: 15q25.3.
Variant type: single nucleotide variant.
Genome position: GRCh38 VCF-style: chr15-84817141-C-T. GRCh37 (hg19) VCF-style: chr15-85360372-C-T.
Other names: short protein forms P99S.
Identifiers: ClinVar variation 1524495 (VCV001524495.10), dbSNP rs1029763180, ClinGen allele CA273650835.

ClinVar aggregate classification (germline): Uncertain significance. Review status: criteria provided, multiple submitters, no conflicts (2 of 4 stars). 2 submissions from 2 submitters: Uncertain significance (2). Last evaluated 2025-06-09.

Conditions:
Cardiovascular phenotype. Identifiers: MedGen CN230736.

Allele frequency attached by ClinVar (database versions not stated): gnomAD exomes below 0.00001; gnomAD 0.00001; TOPMed 0.00002.

Submissions (2):

Labcorp Genetics (formerly Invitae), Labcorp
Classification: Uncertain significance. Last evaluated: 2025-06-09. Review status: criteria provided, single submitter. Criteria: Invitae Variant Classification Sherloc (09022015). Collection method: clinical testing. Allele origin: germline.
Comment: This sequence change replaces proline, which is neutral and non-polar, with serine, which is neutral and polar, at codon 99 of the ALPK3 protein (p.Pro99Ser). This variant is not present in population databases (gnomAD no frequency). This variant has not been reported in the literature in individuals affected with ALPK3-related conditions. ClinVar contains an entry for this variant (Variation ID: 1524495). An algorithm developed to predict the effect of missense changes on protein structure and function (PolyPhen-2) suggests that this variant is likely to be tolerated. In summary, the available evidence is currently insufficient to determine the role of this variant in disease. Therefore, it has been classified as a Variant of Uncertain Significance.

Ambry Genetics
Classification: Uncertain significance for Cardiovascular phenotype. Last evaluated: 2025-03-25. Review status: criteria provided, single submitter. Criteria: Ambry Variant Classification Scheme 2023. Collection method: clinical testing. Allele origin: germline.
Comment: The p.P99S variant (also known as c.295C>T), located in coding exon 1 of the ALPK3 gene, results from a C to T substitution at nucleotide position 295. The proline at codon 99 is replaced by serine, an amino acid with similar properties. This amino acid position is not well conserved in available vertebrate species. In addition, this alteration is predicted to be tolerated by in silico analysis. Since supporting evidence is limited at this time, the clinical significance of this alteration remains unclear.